The following is an entry in ClinVar:

NM_019594.4(LRRC8A):c.325G>T (p.Val109Leu)

Gene: LRRC8A (leucine rich repeat containing 8 VRAC subunit A; plus strand). Cytogenetic location: 9q34.11.
Variant type: single nucleotide variant.
Coding change: c.325G>T on transcript NM_019594.4 (MANE Select); coding-DNA position 325, G replaced by T.
Protein change: p.Val109Leu; replaces valine 109 with leucine.
Molecular consequence: missense variant.
Genome position (GRCh38, 1-based): chr9:128,907,489, G>T. VCF-style: chr9-128907489-G-T. GRCh37 (hg19) VCF-style: chr9-131669768-G-T.
Other names: c.325G>T, p.Val109Leu (NM_001127244.2, NM_001127245.2); c.325G>T (NM_001127244.1); short protein forms V109L.
Identifiers: ClinVar variation 2418540 (VCV002418540.7), dbSNP rs370697938, ClinGen allele CA5270698.

ClinVar aggregate classification (germline): Uncertain significance. Review status: criteria provided, multiple submitters, no conflicts (2 of 4 stars). 2 submissions from 2 submitters: Uncertain significance (2). Last evaluated 2025-09-13.

Allele frequency attached by ClinVar (database versions not stated): ESP Exome Variant Server 0.00015.
gnomAD v4.1: 177 of 1,613,950 alleles (0.011%); highest among the groups gnomAD compares: Non-Finnish European, 0.014%; no homozygotes.

Submissions (2):

Labcorp Genetics (formerly Invitae), Labcorp
Classification: Uncertain significance. Last evaluated: 2025-09-13. Review status: criteria provided, single submitter. Criteria: Invitae Variant Classification Sherloc (09022015). Collection method: clinical testing. Allele origin: germline.
Comment: This sequence change replaces valine, which is neutral and non-polar, with leucine, which is neutral and non-polar, at codon 109 of the LRRC8A protein (p.Val109Leu). This variant is present in population databases (rs370697938, gnomAD 0.009%). This variant has not been reported in the literature in individuals affected with LRRC8A-related conditions. ClinVar contains an entry for this variant (Variation ID: 2418540). An algorithm developed to predict the effect of missense changes on protein structure and function (PolyPhen-2) suggests that this variant is likely to be disruptive. In summary, the available evidence is currently insufficient to determine the role of this variant in disease. Therefore, it has been classified as a Variant of Uncertain Significance.

Ambry Genetics
Classification: Uncertain significance. Last evaluated: 2024-07-26. Review status: criteria provided, single submitter. Criteria: Ambry Variant Classification Scheme 2023. Collection method: clinical testing. Allele origin: germline.